The following is an entry in ClinVar:

NM_012330.4(KAT6B):c.4906A>C (p.Ile1636Leu)

Gene: KAT6B (lysine acetyltransferase 6B; plus strand). Cytogenetic location: 10q22.2.
Variant type: single nucleotide variant.
Coding change: c.4906A>C on transcript NM_012330.4 (MANE Select); coding-DNA position 4906, A replaced by C.
Protein change: p.Ile1636Leu; replaces isoleucine 1636 with leucine.
Molecular consequence: missense variant.
Genome position (GRCh38, 1-based): chr10:75,029,730, A>C. VCF-style: chr10-75029730-A-C. GRCh37 (hg19) VCF-style: chr10-76789488-A-C.
Other names: c.4357A>C, p.Ile1453Leu (NM_001256468.2, NM_001370138.1); c.4030A>C, p.Ile1344Leu (NM_001256469.2, NM_001370139.1, NM_001370140.1 and 2 more transcripts); c.3868A>C, p.Ile1290Leu (NM_001370132.1); c.3217A>C, p.Ile1073Leu (NM_001370133.1); c.2821A>C, p.Ile941Leu (NM_001370134.1); c.2563A>C, p.Ile855Leu (NM_001370135.1); c.4906A>C, p.Ile1636Leu (NM_001370136.1, NM_001370137.1); c.3841A>C, p.Ile1281Leu (NM_001370143.1, NM_001370144.1); short protein forms I1281L, I1344L, I855L, I1073L, I1290L, I1453L, I941L, I1636L.
Identifiers: ClinVar variation 4742643 (VCV004742643.1).
Genomic context (GRCh38, chr10:75,029,730, plus strand): 5'-AGCCCAAGTGTCCCTGCTCTGGAAAACAGCTACGCCCAAATCAGCCCAGATCAAAGTGCC[A>C]TCTCAGTGCCATCTCTGCAGAACATGGAAACCAGTCCCATGATGGATGTCCCATCAGTTT-3'
Protein context (NP_036462.2, residues 1626-1646): YAQISPDQSA[Ile1636Leu]SVPSLQNMET

ClinVar aggregate classification (germline): Uncertain significance (1 of 4 stars; one submission).

Conditions:
Genitopatellar syndrome (GTPTS). Also called: ABSENT PATELLAE, SCROTAL HYPOPLASIA, RENAL ANOMALIES, FACIAL DYSMORPHISM, AND MENTAL RETARDATION; Genitopatellar syndrome (GPS). Identifiers: Orphanet 85201, MedGen C1853566, MONDO:0011640, OMIM 606170.

gnomAD v4.1: 3 of 1,614,198 alleles (0.00019%); highest among the groups gnomAD compares: Non-Finnish European, 0.00025%; no homozygotes.

Submission:

Labcorp Genetics (formerly Invitae), Labcorp
Classification: Uncertain significance for Genitopatellar syndrome. Last evaluated: 2025-07-21. Review status: criteria provided, single submitter. Criteria: Invitae Variant Classification Sherloc (09022015). Collection method: clinical testing. Allele origin: germline.
Comment: This sequence change replaces isoleucine, which is neutral and non-polar, with leucine, which is neutral and non-polar, at codon 1636 of the KAT6B protein (p.Ile1636Leu). This variant is not present in population databases (gnomAD no frequency). This variant has not been reported in the literature in individuals affected with KAT6B-related conditions. Invitae Evidence Modeling of protein sequence and biophysical properties (such as structural, functional, and spatial information, amino acid conservation, physicochemical variation, residue mobility, and thermodynamic stability) indicates that this missense variant is not expected to disrupt KAT6B protein function with a negative predictive value of 80%. In summary, the available evidence is currently insufficient to determine the role of this variant in disease. Therefore, it has been classified as a Variant of Uncertain Significance.